The following is an entry in ClinVar:

ClinVar aggregate classification (germline): Benign/Likely benign. Review status: criteria provided, multiple submitters, no conflicts (2 of 4 stars). 5 submissions from 5 submitters: Benign (1); Likely benign (3). 1 of the submissions does not count toward it. Last evaluated 2026-08-01.

Conditions:
PDGFRA-related disorder. Also called: PDGFRA-related condition.
Polyps, multiple and recurrent inflammatory fibroid, gastrointestinal. Identifiers: MedGen C5193005, MONDO:0008285, OMIM 175510.
Hereditary cancer-predisposing syndrome. Also called: Hereditary neoplastic syndrome; Hereditary Cancer Syndrome; Neoplastic Syndromes, Hereditary; Tumor predisposition. Identifiers: Orphanet 140162, MedGen C0027672, MeSH D009386, MONDO:0015356.
Gastrointestinal stromal tumor. Also called: Gastrointestinal stroma tumor; Gastrointestinal stromal tumor, somatic. Identifiers: Orphanet 44890, MedGen C0238198, MeSH D046152, MONDO:0011719, OMIM 606764, HP:0100723.

Allele frequency attached by ClinVar (database versions not stated): ExAC 0.00002; gnomAD exomes 0.00002; TOPMed 0.00005; gnomAD 0.00007 and 0.00008.
gnomAD v4.1: 78 of 1,613,934 alleles (0.0048%); highest among the groups gnomAD compares: Middle Eastern, 0.033%; no homozygotes.

Submissions (5):

CeGaT Center for Human Genetics Tuebingen
Classification: Likely benign. Last evaluated: 2026-08-01. Review status: criteria provided, single submitter. Criteria: CeGaT Center For Human Genetics Tuebingen Variant Classification Criteria Version 2. Collection method: clinical testing. Allele origin: germline. Affected: yes. Observed: 2 variant alleles.
Comment: PDGFRA: BP4, BP7

Myriad Genetics, Inc.
Classification: Benign for Polyps, multiple and recurrent inflammatory fibroid, gastrointestinal. Last evaluated: 2026-06-17. Review status: criteria provided, single submitter. Criteria: Myriad Autosomal Dominant, Autosomal Recessive and X-Linked Classification Criteria (2023). Collection method: clinical testing. Allele origin: unknown.
Comment: This variant is considered benign. This variant is a silent/synonymous amino acid change and it is not expected to impact splicing.

Labcorp Genetics (formerly Invitae), Labcorp
Classification: Likely benign for Gastrointestinal stromal tumor. Last evaluated: 2026-01-21. Review status: criteria provided, single submitter. Criteria: Invitae Variant Classification Sherloc (09022015). Collection method: clinical testing. Allele origin: germline.

Ambry Genetics
Classification: Likely benign for Hereditary cancer-predisposing syndrome. Last evaluated: 2020-05-22. Review status: criteria provided, single submitter. Criteria: Ambry Variant Classification Scheme 2023. Collection method: clinical testing. Allele origin: germline.

PreventionGenetics, part of Exact Sciences
Classification: Likely benign for PDGFRA-related condition. Last evaluated: 2022-09-08. Review status: no assertion criteria provided. Collection method: clinical testing. Allele origin: germline. Not counted in ClinVar's aggregate classification.
Comment: This variant is classified as likely benign based on ACMG/AMP sequence variant interpretation guidelines (Richards et al. 2015 PMID: 25741868, with internal and published modifications).

NM_006206.6(PDGFRA):c.1494C>T (p.Ala498=)

Gene: PDGFRA (platelet derived growth factor receptor alpha; plus strand). Cytogenetic location: 4q12.
Variant type: single nucleotide variant.
Coding change: c.1494C>T on transcript NM_006206.6 (MANE Select); coding-DNA position 1494, C replaced by T.
Protein change: p.Ala498=; no amino-acid change (alanine 498 retained).
Molecular consequence: synonymous variant.
Genome position (GRCh38, 1-based): chr4:54,273,666, C>T. VCF-style: chr4-54273666-C-T. GRCh37 (hg19) VCF-style: chr4-55139833-C-T.
Other names: c.1494C>T, p.Ala498= (NM_001347827.2, NM_001347829.2); c.1569C>T, p.Ala523= (NM_001347828.2); c.1533C>T, p.Ala511= (NM_001347830.2); c.1494C>T (NM_006206.5).
Identifiers: ClinVar variation 240310 (VCV000240310.18), dbSNP rs200434193, ClinGen allele CA2922584.
Genomic context (GRCh38, chr4:54,273,666, plus strand): 5'-CCGAGACAGGAGTACCGTGGAGGGCCGTGTGACTTTCGCCAAAGTGGAGGAGACCATCGC[C>T]GTGCGATGCCTGGCTAAGAATCTCCTTGGAGCTGAGAACCGAGAGCTGAAGCTGGTGGCT-3'
Protein context (NP_006197.1, residues 488-508): VTFAKVEETI[Ala498=]VRCLAKNLLG